The following is an entry in ClinVar:

ClinVar aggregate classification (germline): Likely pathogenic (1 of 4 stars; one submission).

Conditions:
Wiedemann-Steiner syndrome (WDSTS). Also called: Growth deficiency and mental retardation with facial dysmorphism. Identifiers: Orphanet 319182, MedGen C1854630, MONDO:0011518, OMIM 605130.

Submission:

3billion
Classification: Likely pathogenic for Wiedemann-Steiner syndrome. Last evaluated: 2024-12-18. Review status: criteria provided, single submitter. Criteria: ACMG Guidelines, 2015. Collection method: clinical testing. Allele origin: germline. Affected: yes.
Comment: The variant is not observed in the gnomAD v4.1.0 dataset. Predicted Consequence/Location: Canonical splice site: predicted to alter splicing and result in a loss or disruption of normal protein function. Multiple pathogenic loss-of-function variants are reported downstream of the variant. In silico tools predict the variant to alter splicing and produce an abnormal transcript [SpliceAI: 1.00 (spliceogenicity >=0.2, non-spliceogenicity <0.1)]. Therefore, this variant is classified as Likely pathogenic according to the recommendation of ACMG/AMP guideline.

NM_001197104.2(KMT2A):c.4697del

Gene: KMT2A (lysine methyltransferase 2A; plus strand). Cytogenetic location: 11q23.3.
Variant type: Deletion.
Coding change: c.4697del on transcript NM_001197104.2 (MANE Select); coding-DNA position 4697, one base deleted (G; older notation c.4697delG).
Molecular consequence: splice acceptor variant.
Genome position (GRCh38, 1-based): chr11:118,491,196, G deleted; the last of 2 consecutive G bases (chr11:118,491,195-118,491,196); deleting either gives the same sequence. VCF-style (leftmost placement, unchanged base first): chr11-118491194-AG-A. GRCh37 (hg19) VCF-style: chr11-118361909-AG-A.
Identifiers: ClinVar variation 4293078 (VCV004293078.1).